The following is an entry in ClinVar:

ClinVar aggregate classification (germline): Likely pathogenic. Review status: criteria provided, multiple submitters, no conflicts (2 of 4 stars). 3 submissions from 3 submitters: Likely pathogenic (3). Last evaluated 2026-02-17.

Conditions:
Cerebellar ataxia, impaired intellectual development, and dysequilibrium syndrome 1. Also called: VLDLR Cerebellar Hypoplasia; Cerebellar ataxia, mental retardation, and dysequilibrium syndrome 1; CEREBELLAR ATAXIA AND MENTAL RETARDATION WITH OR WITHOUT QUADRUPEDAL LOCOMOTION 1; CEREBELLAR ATAXIA, CONGENITAL, AND MENTAL RETARDATION, AUTOSOMAL RECESSIVE; Cerebellar ataxia, intellectual disability, and dysequilibrium syndrome 1; Cerebellar hypoplasia and mental retardation with or without quadrupedal locomotion 1. Identifiers: Orphanet 1766, MedGen C4551552, MONDO:0024542, OMIM 224050.

Allele frequency attached by ClinVar (database versions not stated): gnomAD 0.00001; gnomAD exomes 0.00001.
gnomAD v4.1: 13 of 1,609,718 alleles (0.00081%); highest among the groups gnomAD compares: Non-Finnish European, 0.00093%; no homozygotes.

Submissions (3):

Women's Health and Genetics/Laboratory Corporation of America, LabCorp
Classification: Likely pathogenic for Cerebellar ataxia, impaired intellectual development, and dysequilibrium syndrome 1. Last evaluated: 2026-02-17. Review status: criteria provided, single submitter. Criteria: LabCorp Variant Classification Summary - May 2015. Collection method: clinical testing. Allele origin: germline.
Comment: Variant summary: VLDLR c.449-2A>T is located in a canonical splice-site and is predicted to affect mRNA splicing resulting in a significantly altered protein due to either exon skipping, shortening, or inclusion of intronic material. Variants that disrupt the consensus splice site are a relatively common cause of aberrant splicing and loss of VLDLR function. Several computational tools predict a significant impact on normal splicing: Four predict the variant abolishes a 3' acceptor site. However, these predictions have yet to be confirmed by functional studies. The variant was absent in 248058 control chromosomes. To our knowledge, no occurrence of c.449-2A>T in individuals affected with VLDLR-related conditions and no experimental evidence demonstrating its impact on protein function have been reported. ClinVar contains an entry for this variant (Variation ID: 2892838). Based on the evidence outlined above, the variant was classified as likely pathogenic.

Fulgent Genetics
Classification: Likely pathogenic for Cerebellar ataxia, impaired intellectual development, and dysequilibrium syndrome 1. Last evaluated: 2024-05-07. Review status: criteria provided, single submitter. Criteria: ACMG Guidelines, 2015. Collection method: clinical testing. Allele origin: germline.

Labcorp Genetics (formerly Invitae), Labcorp
Classification: Likely pathogenic. Last evaluated: 2023-03-22. Review status: criteria provided, single submitter. Criteria: Invitae Variant Classification Sherloc (09022015). Collection method: clinical testing. Allele origin: germline.
Comment: In summary, the currently available evidence indicates that the variant is pathogenic, but additional data are needed to prove that conclusively. Therefore, this variant has been classified as Likely Pathogenic. Algorithms developed to predict the effect of sequence changes on RNA splicing suggest that this variant may disrupt the consensus splice site. This variant has not been reported in the literature in individuals affected with VLDLR-related conditions. This variant is not present in population databases (gnomAD no frequency). This sequence change affects an acceptor splice site in intron 4 of the VLDLR gene. It is expected to disrupt RNA splicing. Variants that disrupt the donor or acceptor splice site typically lead to a loss of protein function (PMID: 16199547), and loss-of-function variants in VLDLR are known to be pathogenic (PMID: 18043714, 18326629, 22532556).

Literature cited by the submitters: PubMed 16199547 (cited by Labcorp Genetics (formerly Invitae), Labcorp); PubMed 18043714 (cited by Labcorp Genetics (formerly Invitae), Labcorp); PubMed 18326629 (cited by Labcorp Genetics (formerly Invitae), Labcorp); PubMed 22532556 (cited by Labcorp Genetics (formerly Invitae), Labcorp).

NM_003383.5(VLDLR):c.449-2A>T

Gene: VLDLR (very low density lipoprotein receptor; plus strand). Cytogenetic location: 9p24.2.
Variant type: single nucleotide variant.
Coding change: c.449-2A>T on transcript NM_003383.5 (MANE Select); the canonical splice acceptor site of the intron before coding-DNA position 449, A replaced by T.
Molecular consequence: splice acceptor variant.
Genome position (GRCh38, 1-based): chr9:2,643,158, A>T. VCF-style: chr9-2643158-A-T. GRCh37 (hg19) VCF-style: chr9-2643158-A-T.
Other names: c.449-2A>T (NM_001018056.3); c.326-2A>T (NM_001322225.2, NM_001322226.2).
Identifiers: ClinVar variation 2892838 (VCV002892838.5), dbSNP rs1817896308, ClinGen allele CA372790224.
Genomic context (GRCh38, chr9:2,643,158, plus strand): 5'-ACAAGAATCTTGAACGGACCAATCTTGATGCATTTTCAGTGGGGCATCCTCTCTCTTAAT[A>T]GGCAATATAACATGTAGTCCCGACGAGTTCACCTGCTCCAGTGGCCGCTGCATCTCCAGG-3'